The following continues an entry in ClinVar:

NM_007294.4(BRCA1):c.3700_3704del (p.Val1234fs)

ClinVar aggregate classification (germline): Pathogenic. Pathogenic (1).

Submissions 12 to 22 of 47:

Variantyx, Inc.
Classification: Pathogenic for Breast-ovarian cancer, familial, susceptibility to, 1. Last evaluated: 2025-07-09. Review status: criteria provided, single submitter. Criteria: Variantyx Assertion Criteria 2022. Collection method: clinical testing. Allele origin: germline. Inheritance: Autosomal dominant inheritance. Affected: yes. Not counted in ClinVar's aggregate classification.
Comment: This is a frameshift variant in the BRCA1 gene (OMIM: 113705). Pathogenic variants in this gene have been associated with autosomal dominant susceptibility to familial breast-ovarian cancer 1. This variant introduces a premature termination codon in exon 10 out of 23 and is expected to result in loss of function, which is a known disease mechanism for BRCA1 (PMID:1157798;20104584) (PVS1). It has been reported in the heterozygous state in many individuals and families with hereditary breast and ovarian cancer (PMID:36299383, 36367610, 29492181, 28205045, 15024741), while it has a 0.0004% maximum allele frequency in non-founder control populations. Other reputable laboratories have reported this variant as pathogenic or likely pathogenic, and this classification has been validated by an expert panel in ClinVar. Based on the current evidence, this variant is classified as pathogenic for autosomal dominant susceptibility to familial breast-ovarian cancer 1.

Color Diagnostics, LLC DBA Color Health
Classification: Pathogenic for Hereditary cancer-predisposing syndrome. Last evaluated: 2024-11-13. Review status: criteria provided, single submitter. Criteria: ACMG Guidelines, 2015. Collection method: clinical testing. Allele origin: germline. Not counted in ClinVar's aggregate classification.
Comment: This variant deletes 5 nucleotides in exon 10 of the BRCA1 gene, creating a frameshift and premature translation stop signal. This variant is expected to result in an absent or non-functional protein product. This variant is also known as 3819del5 based on Breast Cancer Information Core (BIC) nomenclature. This variant has been detected in multiple individuals and families affected with breast and ovarian cancer (PMID: 7606717, 8554067, 11389159, 11802209 , 18489799, 20727672, 21324516, 23479189, 24171766, 24010542, 25366421, 28205045, 29335924, 33670479, 34072659) and has been described as a recurrent or founder mutation in the Czech Republic, Germany, Poland, Kosovo and Russia (PMID: 22864640, 23199084, 26843898, 36171877, 36299383, 36367610, 37147448). This variant was found to segregate with breast and ovarian cancer affected members in one large pedigree (PMID: 8554067). A large breast cancer case-control study (PMID: 33471991) has reported this variant in 10/60456 cases, 1/53460 controls; OR=8.843 (95%CI 1.132 to 69.082); p-value=0.013; Leiden Open Variation Database DB-ID BRCA1_001454. This variant has not been identified in the general population by the Genome Aggregation Database (gnomAD). Loss of BRCA1 function is a known mechanism of disease. Based on the available evidence, this variant is classified as Pathogenic.

Ambry Genetics
Classification: Pathogenic for Hereditary cancer-predisposing syndrome. Last evaluated: 2024-09-05. Review status: criteria provided, single submitter. Criteria: Ambry Variant Classification Scheme 2023. Collection method: clinical testing. Allele origin: germline. Not counted in ClinVar's aggregate classification.
Comment: The c.3700_3704delGTAAA pathogenic mutation, located in coding exon 9 of the BRCA1 gene, results from a deletion of 5 nucleotides at nucleotide positions 3700 to 3704, causing a translational frameshift with a predicted alternate stop codon (p.V1234Qfs*8). This mutation has been reported in multiple hereditary breast and ovarian cancer (HBOC) syndrome families (Takahashi H et al. Cancer Res., 1995 Jul;55:2998-3002; Serova O et al. Am J Hum Genet, 1996 Jan;58:42-51; G&oacute;rski B et al. Am J Hum Genet, 2000 Jun;66:1963-8; Bergthorsson JT et al. J Med Genet, 2001 Jun;38:361-8; Foretova L et al. Hum Mutat, 2004 Apr;23:397-8; Ratajska M et al. Oncol Rep, 2008 Jan;19:263-8; Machackova E et al. BMC Cancer, 2008 May;8:140; Iyevleva AG et al. Cancer Lett, 2010 Dec;298:258-63; Zhang S et al. Gynecol Oncol, 2011 May;121:353-7; Heidemann S et al. Breast Cancer Res Treat, 2012 Aug;134:1229-39; Ledwo JK et al. BMC Cancer, 2013 Oct;13:510; de Juan Jim&eacute;nez I et al. Fam Cancer, 2013 Dec;12:767-77; Janaviius R et al. Cancer Genet, 2014 May;207:195-205; Meisel C et al. Arch Gynecol Obstet, 2017 May;295:1227-1238; Park B et al. Breast Cancer Res Treat, 2017 May;163:139-150; Zidekova D et al. Neoplasma;65:309-315; Heramb C et al. Hered Cancer Clin Pract, 2018 Jan;16:3; Li A et al. Gynecol Oncol, 2018 10;151:145-152; Jakimovska M et al. Breast Cancer Res Treat, 2018 Apr;168:745-753; Rechsteiner M et al. J. Cancer Res. Clin. Oncol., 2018 May;144:865-874; Kluz T et al. Hered Cancer Clin Pract, 2018 Mar;16:6; Carter NJ et al. Gynecol Oncol, 2018 12;151:481-488; Koczkowska M et al. Cancers (Basel), 2018 Nov;10; Tsaousis GN et al. BMC Cancer, 2019 Jun;19:535; Rashid MU et al. Hered Cancer Clin Pract, 2019 Sep;17:27; Rogoa-Janiszewska E et al. Cancers (Basel), 2020 Aug;12; Yildiz Tacar S et al. Life Sci, 2020 Nov;261:118334; Zografos E et al. BMC Cancer, 2021 May;21:572). Of note, this alteration is also designated as c.3700_3704del5, 3819del5, and "3820-3824 5bp deletion" in published literature. In addition to the clinical data presented in the literature, this alteration is expected to result in loss of function by premature protein truncation or nonsense-mediated mRNA decay. As such, this alteration is interpreted as a disease-causing mutation.

Department of Clinical Genetics, Copenhagen University Hospital, Rigshospitalet
Classification: Pathogenic for Breast-ovarian cancer, familial, susceptibility to, 1. Last evaluated: 2024-05-27. Review status: criteria provided, single submitter. Criteria: ACMG Guidelines, 2015. Collection method: clinical testing. Allele origin: germline. Affected: yes. Not counted in ClinVar's aggregate classification.
Comment: PVS1; PM2_supporting; PM5_PTC_Strong

Revvity Omics, Revvity
Classification: Pathogenic. Last evaluated: 2024-02-01. Review status: criteria provided, single submitter. Criteria: ACMG Guidelines, 2015. Collection method: clinical testing. Allele origin: germline. Not counted in ClinVar's aggregate classification.

All of Us Research Program, National Institutes of Health
Classification: Pathogenic for Breast-ovarian cancer, familial, susceptibility to, 1. Last evaluated: 2024-01-08. Review status: criteria provided, single submitter. Criteria: ACMG Guidelines, 2015. Collection method: clinical testing. Allele origin: germline. Inheritance: Autosomal dominant inheritance. Observed: 1 variant allele, 1 heterozygote. Not counted in ClinVar's aggregate classification.
Comment: This variant deletes 5 nucleotides in exon 10 of the BRCA1 gene, creating a frameshift and premature translation stop signal. This variant is expected to result in an absent or non-functional protein product. This variant is also known as 3819del5 based on Breast Cancer Information Core (BIC) nomenclature. This variant has been detected in multiple individuals and families affected with breast and ovarian cancer (PMID: 7606717, 8554067, 11389159, 11802209 , 18489799, 20727672, 21324516, 23479189, 24171766, 24010542, 25366421, 28205045, 29335924, 33670479, 34072659) and has been described as a recurrent or founder mutation in the Czech Republic, Germany, Poland, Kosovo and Russia (PMID: 22864640, 23199084, 26843898, 36171877, 36299383, 36367610, 37147448). This variant was found to segregate with breast and ovarian cancer affected members in one large pedigree (PMID: 8554067). A large breast cancer case-control study (PMID: 33471991) has reported this variant in 10/60456 cases, 1/53460 controls; OR=8.843 (95%CI 1.132 to 69.082); p-value=0.013; Leiden Open Variation Database DB-ID BRCA1_001454. This variant has not been identified in the general population by the Genome Aggregation Database (gnomAD). Loss of BRCA1 function is a known mechanism of disease. Based on the available evidence, this variant is classified as Pathogenic.

This study involves interpretation of variants in research participants for the purpose of population health screening. Participant phenotype was not available at the time of variant classification. Additional details can be found in publication PMID: 35346344, PMCID: PMC8962531

Baylor Genetics
Classification: Pathogenic for Breast-ovarian cancer, familial, susceptibility to, 1. Last evaluated: 2023-10-01. Review status: criteria provided, single submitter. Criteria: ACMG Guidelines, 2015. Collection method: clinical testing. Allele origin: unknown. Not counted in ClinVar's aggregate classification.

Clinical Genetics Laboratory, Skane University Hospital Lund
Classification: Pathogenic. Last evaluated: 2023-06-01. Review status: criteria provided, single submitter. Criteria: ACMG Guidelines, 2015. Collection method: clinical testing. Allele origin: germline. Affected: yes. Not counted in ClinVar's aggregate classification.

Mayo Clinic Laboratories, Mayo Clinic
Classification: Pathogenic. Last evaluated: 2023-02-08. Review status: criteria provided, single submitter. Criteria: ACMG Guidelines, 2015. Collection method: clinical testing. Allele origin: germline. Observed: 1 variant allele. Not counted in ClinVar's aggregate classification.
Comment: PP1, PM2, PS4_moderate, PVS1

Blueprint Genetics
Classification: Pathogenic for BRCA1-related disorders. Last evaluated: 2023-01-25. Review status: criteria provided, single submitter. Criteria: ACMG Guidelines, 2015. Collection method: clinical testing. Allele origin: germline. Affected: yes. Observed: 2 variant alleles. Not counted in ClinVar's aggregate classification.

MGZ Medical Genetics Center
Classification: Pathogenic for Breast-ovarian cancer, familial, susceptibility to, 1. Last evaluated: 2022-07-28. Review status: criteria provided, single submitter. Criteria: ACMG Guidelines, 2015. Collection method: clinical testing. Allele origin: germline. Affected: yes. Observed: 3 variant alleles. Not counted in ClinVar's aggregate classification.
Comment: ACMG criteria applied: PVS1, PP1_STR, PS4_MOD, PM2_SUP